The following is an entry in ClinVar:

ClinVar aggregate classification (germline): Uncertain significance (1 of 4 stars; one submission).

Conditions:
Perlman syndrome (PRLMNS). Identifiers: Orphanet 2849, MedGen C0796113, MONDO:0009965, OMIM 267000.

Submission:

Labcorp Genetics (formerly Invitae), Labcorp
Classification: Uncertain significance for Perlman syndrome. Last evaluated: 2023-01-01. Review status: criteria provided, single submitter. Criteria: Invitae Variant Classification Sherloc (09022015). Collection method: clinical testing. Allele origin: germline.
Comment: In summary, the available evidence is currently insufficient to determine the role of this variant in disease. Therefore, it has been classified as a Variant of Uncertain Significance. ClinVar contains an entry for this variant (Variation ID: 662382). This sequence change replaces valine, which is neutral and non-polar, with isoleucine, which is neutral and non-polar, at codon 760 of the DIS3L2 protein (p.Val760Ile). Information on the frequency of this variant in the gnomAD database is not available, as this variant may be reported differently in the database. This variant has not been reported in the literature in individuals affected with DIS3L2-related conditions. Algorithms developed to predict the effect of missense changes on protein structure and function output the following: SIFT: "Not Available"; PolyPhen-2: "Not Available"; Align-GVGD: "Not Available". The isoleucine amino acid residue is found in multiple mammalian species, which suggests that this missense change does not adversely affect protein function.

NM_152383.5(DIS3L2):c.2277_2278inv (p.Val760Ile)

Gene: DIS3L2 (DIS3 like 3'-5' exoribonuclease 2; plus strand). Cytogenetic location: 2q37.1.
Variant type: Inversion.
Coding change: c.2277_2278inv on transcript NM_152383.5 (MANE Select).
Protein change: p.Val760Ile; replaces valine 760 with isoleucine.
Molecular consequence: missense variant. On other transcripts: non-coding transcript variant (2), intron variant (1).
Genome position: GRCh38 VCF-style: chr2-232334487-TG-CA. GRCh37 (hg19) VCF-style: chr2-233199197-TG-CA.
Other names: c.2277_2278delinsCA (NM_152383.4); c.1582-8858_1582-8857inv (NM_001257281.2); short protein forms V760I.
Identifiers: ClinVar variation 662382 (VCV000662382.10), ClinGen allele CA915941789.